The following is an entry in ClinVar:

ClinVar aggregate classification (germline): Pathogenic (1 of 4 stars; one submission).

Conditions:
Lynch syndrome 5 (LYNCH5). Also called: Colorectal cancer, hereditary nonpolyposis, type 5; Hereditary non-polyposis colorectal cancer, type 5. Identifiers: Orphanet 144, MedGen C1833477, MONDO:0013710, OMIM 614350. Disease mechanism: loss of function.

Submission:

Myriad Genetics, Inc.
Classification: Pathogenic for Lynch syndrome 5. Last evaluated: 2023-08-21. Review status: criteria provided, single submitter. Criteria: Myriad Autosomal Dominant, Autosomal Recessive and X-Linked Classification Criteria (2023). Collection method: clinical testing. Allele origin: unknown.
Comment: This variant is considered pathogenic. This variant creates a frameshift predicted to result in premature protein truncation.

NM_000179.3(MSH6):c.2993del (p.Ser998fs)

Gene: MSH6 (mutS homolog 6; plus strand). Cytogenetic location: 2p16.3.
Variant type: Deletion.
Coding change: c.2993del on transcript NM_000179.3 (MANE Select); coding-DNA position 2993, one base deleted (C; older notation c.2993delC).
Protein change: p.Ser998fs; shifts the reading frame from serine 998.
Molecular consequence: frameshift variant. On other transcripts: non-coding transcript variant (5), intron variant (2).
Genome position (GRCh38, 1-based): chr2:47,800,976, C deleted. VCF-style (leftmost placement, unchanged base first): chr2-47800975-TC-T. GRCh37 (hg19) VCF-style: chr2-48028114-TC-T.
Other names: c.2603del, p.Ser868fs (NM_001281492.2); c.2087del, p.Ser696fs (NM_001281493.2, NM_001281494.2, NM_001406811.1 and 6 more transcripts); c.3089del, p.Ser1030fs (NM_001406795.1, NM_001406802.1); c.2993del, p.Ser998fs (NM_001406796.1, NM_001406798.1, NM_001406800.1 and 2 more transcripts); c.2696del, p.Ser899fs (NM_001406797.1, NM_001406801.1, NM_001406805.1 and 10 more transcripts); c.2468del, p.Ser823fs (NM_001406799.1, NM_001406806.1, NM_001406807.1); c.2915del, p.Ser972fs (NM_001406804.1); c.2999del, p.Ser1000fs (NM_001406813.1); and 4 more; short protein forms S1000fs, S1030fs, S313fs, S696fs, S823fs, S868fs, S899fs, S942fs.
Identifiers: ClinVar variation 2673741 (VCV002673741.1), dbSNP rs2530706456, ClinGen allele CA2695200612.